The following is an entry in ClinVar:

NM_002473.6(MYH9):c.3894G>T (p.Lys1298Asn)

Gene: MYH9 (myosin heavy chain 9; minus strand). Cytogenetic location: 22q12.3.
Variant type: single nucleotide variant.
Coding change: c.3894G>T on transcript NM_002473.6 (MANE Select); coding-DNA position 3894, G replaced by T.
Protein change: p.Lys1298Asn; replaces lysine 1298 with asparagine.
Molecular consequence: missense variant.
Genome position (GRCh38, 1-based): chr22:36,293,807, C>A on the plus strand (G>T on the coding strand, the complement: MYH9 is on the minus strand). VCF-style: chr22-36293807-C-A. GRCh37 (hg19) VCF-style: chr22-36689853-C-A.
Other names: c.3894G>T (NM_002473.4); short protein forms K1298N.
Identifiers: ClinVar variation 2433951 (VCV002433951.5), dbSNP rs755837040, ClinGen allele CA10209525.

ClinVar aggregate classification (germline): Conflicting classifications of pathogenicity. Review status: criteria provided, conflicting classifications (1 of 4 stars). 3 submissions from 3 submitters: Uncertain significance (2); Benign (1). Last evaluated 2025-12-13.

Allele frequency attached by ClinVar (database versions not stated): TOPMed below 0.00001; gnomAD 0.00001; gnomAD exomes 0.00002; ExAC 0.00003.
gnomAD v4.1: 29 of 1,613,822 alleles (0.0018%); highest among the groups gnomAD compares: South Asian, 0.03%; no homozygotes.

Submissions (3):

Labcorp Genetics (formerly Invitae), Labcorp
Classification: Benign. Last evaluated: 2025-12-13. Review status: criteria provided, single submitter. Criteria: Invitae Variant Classification Sherloc (09022015). Collection method: clinical testing. Allele origin: germline.

GeneDx
Classification: Uncertain significance. Last evaluated: 2025-05-19. Review status: criteria provided, single submitter. Criteria: GeneDx Variant Classification Process June 2021. Collection method: clinical testing. Allele origin: germline. Affected: yes.
Comment: In silico analysis suggests that this missense variant does not alter protein structure/function; Has not been previously published as pathogenic or benign to our knowledge

Revvity Omics, Revvity
Classification: Uncertain significance. Last evaluated: 2019-02-28. Review status: criteria provided, single submitter. Criteria: ACMG Guidelines, 2015. Collection method: clinical testing. Allele origin: germline.